The following is an entry in ClinVar:

ClinVar aggregate classification (germline): Uncertain significance (1 of 4 stars; one submission).

Submission:

Labcorp Genetics (formerly Invitae), Labcorp
Classification: Uncertain significance. Last evaluated: 2024-06-15. Review status: criteria provided, single submitter. Criteria: Invitae Variant Classification Sherloc (09022015). Collection method: clinical testing. Allele origin: germline.
Comment: This sequence change replaces lysine, which is basic and polar, with glutamine, which is neutral and polar, at codon 985 of the AHDC1 protein (p.Lys985Gln). This variant is not present in population databases (gnomAD no frequency). This variant has not been reported in the literature in individuals affected with AHDC1-related conditions. An algorithm developed to predict the effect of missense changes on protein structure and function (PolyPhen-2) suggests that this variant is likely to be disruptive. In summary, the available evidence is currently insufficient to determine the role of this variant in disease. Therefore, it has been classified as a Variant of Uncertain Significance.

NM_001371928.1(AHDC1):c.2953A>C (p.Lys985Gln)

Gene: AHDC1 (AT-hook DNA binding motif containing 1; minus strand). Cytogenetic location: 1p36.11.
Variant type: single nucleotide variant.
Coding change: c.2953A>C on transcript NM_001371928.1 (MANE Select); coding-DNA position 2953, A replaced by C.
Protein change: p.Lys985Gln; replaces lysine 985 with glutamine.
Molecular consequence: missense variant.
Genome position (GRCh38, 1-based): chr1:27,549,163, T>G on the plus strand (A>C on the coding strand, the complement: AHDC1 is on the minus strand). VCF-style: chr1-27549163-T-G. GRCh37 (hg19) VCF-style: chr1-27875674-T-G.
Other names: c.2953A>C, p.Lys985Gln (NM_001029882.3); short protein forms K985Q.
Identifiers: ClinVar variation 3656701 (VCV003656701.2).